The following is an entry in ClinVar:

ClinVar aggregate classification (germline): Uncertain significance (1 of 4 stars; one submission).

Conditions:
Hyperphosphatasia with impaired intellectual development syndrome 2. Also called: GLYCOSYLPHOSPHATIDYLINOSITOL BIOSYNTHESIS DEFECT 6; Hyperphosphatasia with intellectual disability syndrome 2. Identifiers: Orphanet 247262, MedGen C3553637, MONDO:0013882, OMIM 614749.

Allele frequency attached by ClinVar (database versions not stated): TOPMed below 0.00001.
gnomAD v4.1: 9 of 1,611,948 alleles (0.00056%); highest among the groups gnomAD compares: Middle Eastern, 0.016%; no homozygotes.

Submission:

Labcorp Genetics (formerly Invitae), Labcorp
Classification: Uncertain significance for Hyperphosphatasia with impaired intellectual development syndrome 2. Last evaluated: 2022-09-01. Review status: criteria provided, single submitter. Criteria: Invitae Variant Classification Sherloc (09022015). Collection method: clinical testing. Allele origin: germline.
Comment: In summary, the available evidence is currently insufficient to determine the role of this variant in disease. Therefore, it has been classified as a Variant of Uncertain Significance. Algorithms developed to predict the effect of missense changes on protein structure and function are either unavailable or do not agree on the potential impact of this missense change (SIFT: "Deleterious"; PolyPhen-2: "Benign"; Align-GVGD: "Class C0"). This variant has not been reported in the literature in individuals affected with PIGO-related conditions. This variant is not present in population databases (gnomAD no frequency). This sequence change replaces threonine, which is neutral and polar, with asparagine, which is neutral and polar, at codon 715 of the PIGO protein (p.Thr715Asn).

NM_032634.4(PIGO):c.2144C>A (p.Thr715Asn)

Gene: PIGO (phosphatidylinositol glycan anchor biosynthesis class O; minus strand). Cytogenetic location: 9p13.3.
Variant type: single nucleotide variant.
Coding change: c.2144C>A on transcript NM_032634.4 (MANE Select); coding-DNA position 2144, C replaced by A.
Protein change: p.Thr715Asn; replaces threonine 715 with asparagine.
Molecular consequence: missense variant. On other transcripts: intron variant (2).
Genome position (GRCh38, 1-based): chr9:35,091,743, G>T on the plus strand (C>A on the coding strand, the complement: PIGO is on the minus strand). VCF-style: chr9-35091743-G-T. GRCh37 (hg19) VCF-style: chr9-35091740-G-T.
Other names: c.1345-452C>A (NM_152850.4, NM_001201484.2); short protein forms T715N.
Identifiers: ClinVar variation 1969716 (VCV001969716.5), dbSNP rs1322517282, ClinGen allele CA373320692.